The following is an entry in ClinVar:

NM_001145667.2(GLG1):c.3507C>T (p.Thr1169=)

Gene: GLG1 (golgi glycoprotein 1; minus strand). Cytogenetic location: 16q23.1.
Variant type: single nucleotide variant.
Coding change: c.3507C>T on transcript NM_001145667.2 (MANE Select); coding-DNA position 3507, C replaced by T.
Protein change: p.Thr1169=; no amino-acid change (threonine 1169 retained).
Molecular consequence: synonymous variant. On other transcripts: non-coding transcript variant (2).
Genome position (GRCh38, 1-based): chr16:74,453,200, G>A on the plus strand (C>T on the coding strand, the complement: GLG1 is on the minus strand). VCF-style: chr16-74453200-G-A. GRCh37 (hg19) VCF-style: chr16-74487098-G-A.
Other names: c.3474C>T, p.Thr1158= (NM_001145666.2); c.3507C>T, p.Thr1169= (NM_012201.6).
Identifiers: ClinVar variation 2646855 (VCV002646855.24), dbSNP rs567614609, ClinGen allele CA8167684.

ClinVar aggregate classification (germline): Likely benign (1 of 4 stars; one submission).

Allele frequency attached by ClinVar (database versions not stated): ExAC 0.00001; TOPMed 0.00002; gnomAD 0.00003; gnomAD exomes 0.00003.
gnomAD v4.1: 48 of 1,613,886 alleles (0.003%); highest among the groups gnomAD compares: Non-Finnish European, 0.004%; no homozygotes.

Submission:

CeGaT Center for Human Genetics Tuebingen
Classification: Likely benign. Last evaluated: 2022-06-01. Review status: criteria provided, single submitter. Criteria: CeGaT Center For Human Genetics Tuebingen Variant Classification Criteria Version 2. Collection method: clinical testing. Allele origin: germline. Affected: yes. Observed: 1 variant allele.
Comment: GLG1: BP4, BP7